The following is an entry in ClinVar:

ClinVar aggregate classification (germline): Uncertain significance (1 of 4 stars; one submission).

Conditions:
Hereditary cancer-predisposing syndrome. Also called: Tumor predisposition; Hereditary Cancer Syndrome; Hereditary neoplastic syndrome; Neoplastic Syndromes, Hereditary. Identifiers: Orphanet 140162, MedGen C0027672, MeSH D009386, MONDO:0015356.

Submission:

Ambry Genetics
Classification: Uncertain significance for Hereditary cancer-predisposing syndrome. Last evaluated: 2024-06-16. Review status: criteria provided, single submitter. Criteria: Ambry Variant Classification Scheme 2023. Collection method: clinical testing. Allele origin: germline.
Comment: The p.E298G variant (also known as c.893A>G), located in coding exon 8 of the EPCAM gene, results from an A to G substitution at nucleotide position 893. The glutamic acid at codon 298 is replaced by glycine, an amino acid with similar properties. This amino acid position is conserved. In addition, this alteration is predicted to be tolerated by in silico analysis. Based on the available evidence, the clinical significance of this variant remains unclear.

NM_002354.3(EPCAM):c.893A>G (p.Glu298Gly)

Gene: EPCAM (epithelial cell adhesion molecule; plus strand). Cytogenetic location: 2p21.
Variant type: single nucleotide variant.
Coding change: c.893A>G on transcript NM_002354.3 (MANE Select); coding-DNA position 893, A replaced by G.
Protein change: p.Glu298Gly; replaces glutamic acid 298 with glycine.
Molecular consequence: missense variant.
Genome position (GRCh38, 1-based): chr2:47,385,200, A>G. VCF-style: chr2-47385200-A-G. GRCh37 (hg19) VCF-style: chr2-47612339-A-G.
Other names: short protein forms E298G.
Identifiers: ClinVar variation 3275852 (VCV003275852.1).